The following is an entry in ClinVar:

NM_032043.3(BRIP1):c.2576-2A>G

Gene: BRIP1 (BRCA1 interacting DNA helicase 1; minus strand). Cytogenetic location: 17q23.2.
Variant type: single nucleotide variant.
Coding change: c.2576-2A>G on transcript NM_032043.3 (MANE Select); the canonical splice acceptor site of the intron before coding-DNA position 2576, A replaced by G.
Molecular consequence: splice acceptor variant.
Genome position (GRCh38, 1-based): chr17:61,686,167, T>C on the plus strand (A>G on the coding strand, the complement: BRIP1 is on the minus strand). VCF-style: chr17-61686167-T-C. GRCh37 (hg19) VCF-style: chr17-59763528-T-C.
Identifiers: ClinVar variation 224527 (VCV000224527.26), dbSNP rs869312763, ClinGen allele CA353505.
Genomic context (GRCh38, chr17:61,686,167, plus strand): 5'-CAGTGCACTTTCAAAGGTTGAATGGTGCTGAATCTGCTGCCGTACCCATTTAGAAAGTCC[T>C]AAAGAAAAAGGTAAACCCAGGGAAAATTTGGTTACTTAGTTATTAAAATATTACATGCTA-3'

ClinVar aggregate classification (germline): Likely pathogenic. Review status: criteria provided, multiple submitters, no conflicts (2 of 4 stars). 6 submissions from 6 submitters: Likely pathogenic (6). Last evaluated 2025-05-30.

Conditions:
Hereditary cancer-predisposing syndrome. Also called: Tumor predisposition; Hereditary neoplastic syndrome; Neoplastic Syndromes, Hereditary; Hereditary Cancer Syndrome. Identifiers: Orphanet 140162, MedGen C0027672, MeSH D009386, MONDO:0015356.
Fanconi anemia complementation group J. Also called: BRIP1-Related Fanconi Anemia. Identifiers: Orphanet 84, MedGen C1836860, MONDO:0012187, OMIM 609054.
Familial cancer of breast. Also called: hereditary breast carcinoma; Hereditary breast cancer; BREAST CANCER, FAMILIAL. Identifiers: Orphanet 227535, MedGen C0346153, MONDO:0016419, OMIM 114480. Disease mechanism: loss of function.

Allele frequency attached by ClinVar (database versions not stated): gnomAD exomes below 0.00001.
gnomAD v4.1: 2 of 1,613,916 alleles (0.00012%); highest among the groups gnomAD compares: Non-Finnish European, 0.00017%; no homozygotes.

Submissions (6):

Color Diagnostics, LLC DBA Color Health
Classification: Likely pathogenic for Hereditary cancer-predisposing syndrome. Last evaluated: 2025-05-30. Review status: criteria provided, single submitter. Criteria: ACMG Guidelines, 2015. Collection method: clinical testing. Allele origin: germline.
Comment: This variant causes a A to G nucleotide substitution at the -2 position of intron 18 of the BRIP1 gene. Splice site prediction tools predict that this variant may result in abnormal mRNA splicing and loss of BRIP1 gene function. To our knowledge, functional studies have not been reported for this variant. This variant has not been reported in individuals affected with BRIP1-related disorders in the literature. This variant has not been identified in the general population by the Genome Aggregation Database (gnomAD). Other variants that are predicted to affect normal splicing in this splice acceptor site, c.2576-1G>A and c.2576-1G>T, are reported as disease-causing (ClinVar variation ID: 142551, 936533). Based on the available evidence, this variant is classified as Likely Pathogenic.

Ambry Genetics
Classification: Likely pathogenic for Hereditary cancer-predisposing syndrome. Last evaluated: 2024-05-29. Review status: criteria provided, single submitter. Criteria: Ambry Variant Classification Scheme 2023. Collection method: clinical testing. Allele origin: germline.
Comment: The c.2576-2A>G intronic variant results from an A to G substitution two nucleotides upstream from coding exon 18 in the BRIP1 gene. This nucleotide position is well conserved in available vertebrate species. In silico splice site analysis predicts that this alteration will weaken the native splice acceptor site; however, direct evidence is insufficient at this time (Ambry internal data). Alterations that disrupt the canonical splice site are expected to cause aberrant splicing, resulting in an abnormal protein or a transcript that is subject to nonsense-mediated mRNA decay. As such, this alteration is classified as likely pathogenic.

Labcorp Genetics (formerly Invitae), Labcorp
Classification: Likely pathogenic for Familial cancer of breast; Fanconi anemia complementation group J. Last evaluated: 2023-12-17. Review status: criteria provided, single submitter. Criteria: Invitae Variant Classification Sherloc (09022015). Collection method: clinical testing. Allele origin: germline.
Comment: This sequence change affects an acceptor splice site in intron 18 of the BRIP1 gene. RNA analysis indicates that disruption of this splice site induces altered splicing and likely results in a shortened protein product. This variant is not present in population databases (gnomAD no frequency). Disruption of this splice site has been observed in individual(s) with breast cancer (PMID: 26845104). ClinVar contains an entry for this variant (Variation ID: 224527). Studies have shown that disruption of this splice site results in skipping of exon 19, but is expected to preserve the integrity of the reading-frame (Invitae). In summary, the currently available evidence indicates that the variant is pathogenic, but additional data are needed to prove that conclusively. Therefore, this variant has been classified as Likely Pathogenic.

Myriad Genetics, Inc.
Classification: Likely pathogenic for Familial cancer of breast. Last evaluated: 2023-06-07. Review status: criteria provided, single submitter. Criteria: Myriad Autosomal Dominant, Autosomal Recessive and X-Linked Classification Criteria (2023). Collection method: clinical testing. Allele origin: unknown.
Comment: This variant is considered likely pathogenic. This variant occurs within a consensus splice junction and is predicted to result in abnormal mRNA splicing of either an out-of-frame exon or an in-frame exon necessary for protein stability and/or normal function.

Revvity Omics, Revvity
Classification: Likely pathogenic for Fanconi anemia complementation group J. Last evaluated: 2019-04-19. Review status: criteria provided, single submitter. Criteria: ACMG Guidelines, 2015. Collection method: clinical testing. Allele origin: germline.

University of Washington Department of Laboratory Medicine, University of Washington
Classification: Likely pathogenic for Hereditary cancer-predisposing syndrome. Last evaluated: 2015-11-20. Review status: criteria provided, single submitter. Criteria: Shirts et al. (Genet Med 2016). Collection method: clinical testing. Allele origin: germline. Affected: yes. Observed: 1 variant allele.

Literature cited by the submitters: PubMed 26845104 (cited by Labcorp Genetics (formerly Invitae), Labcorp).